The following is an entry in ClinVar:

NM_001114753.3(ENG):c.1067T>A (p.Met356Lys)

Gene: ENG (endoglin; minus strand). Cytogenetic location: 9q34.11.
Variant type: single nucleotide variant.
Coding change: c.1067T>A on transcript NM_001114753.3 (MANE Select); coding-DNA position 1067, T replaced by A.
Protein change: p.Met356Lys; replaces methionine 356 with lysine.
Molecular consequence: missense variant.
Genome position (GRCh38, 1-based): chr9:127,824,371, A>T on the plus strand (T>A on the coding strand, the complement: ENG is on the minus strand). VCF-style: chr9-127824371-A-T. GRCh37 (hg19) VCF-style: chr9-130586650-A-T.
Other names: c.1067T>A (NM_000118.2, NM_001114753.1); c.1067T>A, p.Met356Lys (NM_000118.4, NM_001406715.1); c.521T>A, p.Met174Lys (NM_001278138.2); short protein forms M356K, M174K.
Identifiers: ClinVar variation 528063 (VCV000528063.14), dbSNP rs138190783, ClinGen allele CA5252891.

ClinVar aggregate classification (germline): Conflicting classifications of pathogenicity. Review status: criteria provided, conflicting classifications (1 of 4 stars). 3 submissions from 3 submitters: Uncertain significance (2); Likely benign (1). Last evaluated 2025-12-29.

Conditions:
Hereditary hemorrhagic telangiectasia (HHT). Also called: Osler hemorrhagic telangiectasia syndrome; ORW DISEASE; Osler Weber Rendu syndrome; OSLER-RENDU-WEBER DISEASE. Identifiers: Orphanet 774, MedGen C0039445, MONDO:0019180. Disease mechanism: loss of function.
Cardiovascular phenotype. Identifiers: MedGen CN230736.

Allele frequency attached by ClinVar (database versions not stated): gnomAD 0.00003; ESP Exome Variant Server 0.00008; TOPMed 0.00001.
gnomAD v4.1: 44 of 1,614,032 alleles (0.0027%); highest among the groups gnomAD compares: Non-Finnish European, 0.0035%; no homozygotes.

Submissions (3):

Ambry Genetics
Classification: Likely benign for Cardiovascular phenotype. Last evaluated: 2025-12-29. Review status: criteria provided, single submitter. Criteria: Ambry Variant Classification Scheme 2023. Collection method: clinical testing. Allele origin: germline.

Labcorp Genetics (formerly Invitae), Labcorp
Classification: Uncertain significance for Hereditary hemorrhagic telangiectasia. Last evaluated: 2021-08-27. Review status: criteria provided, single submitter. Criteria: Invitae Variant Classification Sherloc (09022015). Collection method: clinical testing. Allele origin: germline.
Comment: This sequence change replaces methionine with lysine at codon 356 of the ENG protein (p.Met356Lys). The methionine residue is weakly conserved and there is a moderate physicochemical difference between methionine and lysine. This variant is present in population databases (rs138190783, ExAC 0.003%). This variant has not been reported in the literature in individuals affected with ENG-related conditions. Algorithms developed to predict the effect of missense changes on protein structure and function (SIFT, PolyPhen-2, Align-GVGD) all suggest that this variant is likely to be tolerated. In summary, the available evidence is currently insufficient to determine the role of this variant in disease. Therefore, it has been classified as a Variant of Uncertain Significance.

GeneDx
Classification: Uncertain significance. Last evaluated: 2019-07-15. Review status: criteria provided, single submitter. Criteria: GeneDx Variant Classification Process June 2021. Collection method: clinical testing. Allele origin: germline. Affected: yes.
Comment: Not observed at a significant frequency in large population cohorts (Lek et al., 2016); In silico analysis, which includes protein predictors and evolutionary conservation, supports that this variant does not alter protein structure/function; Has not been previously published as pathogenic or benign to our knowledge